The following is an entry in ClinVar:

ClinVar aggregate classification (germline): Likely benign (0 of 4 stars; one submission).

Conditions:
NOVA2-related disorder. Also called: NOVA2-related condition.

Submission:

PreventionGenetics, part of Exact Sciences
Classification: Likely benign for NOVA2-related condition. Last evaluated: 2023-04-26. Review status: no assertion criteria provided. Collection method: clinical testing. Allele origin: germline.
Comment: This variant is classified as likely benign based on ACMG/AMP sequence variant interpretation guidelines (Richards et al. 2015 PMID: 25741868, with internal and published modifications).

NM_002516.4(NOVA2):c.1152T>G (p.Ala384=)

Gene: NOVA2 (NOVA alternative splicing regulator 2; minus strand). Cytogenetic location: 19q13.32.
Variant type: single nucleotide variant.
Coding change: c.1152T>G on transcript NM_002516.4 (MANE Select); coding-DNA position 1152, T replaced by G.
Protein change: p.Ala384=; no amino-acid change (alanine 384 retained).
Molecular consequence: synonymous variant.
Genome position (GRCh38, 1-based): chr19:45,940,190, A>C on the plus strand (T>G on the coding strand, the complement: NOVA2 is on the minus strand). VCF-style: chr19-45940190-A-C. GRCh37 (hg19) VCF-style: chr19-46443448-A-C.
Identifiers: ClinVar variation 3038009 (VCV003038009.2), dbSNP rs2513851778, ClinGen allele CA507969385.